The following is an entry in ClinVar:

ClinVar aggregate classification (germline): Benign (1 of 4 stars; one submission).

Allele frequency attached by ClinVar (database versions not stated): TOPMed 0.04059; gnomAD 0.04136 and 0.04168; 1000 Genomes Project 0.05252; 1000 Genomes Project 30x 0.05278.

Submission:

GeneDx
Classification: Benign. Last evaluated: 2021-02-26. Review status: criteria provided, single submitter. Criteria: GeneDx Variant Classification Process June 2021. Collection method: clinical testing. Allele origin: germline. Affected: yes.
Comment: This variant is associated with the following publications: (PMID: 26840454)

NM_152574.3(TTC39B):c.77+18862A>G

Gene: TTC39B (tetratricopeptide repeat domain 39B; minus strand). Cytogenetic location: 9p22.3.
Variant type: single nucleotide variant.
Coding change: c.77+18862A>G on transcript NM_152574.3 (MANE Select); 18862 bases into the intron after coding-DNA position 77, A replaced by G.
Molecular consequence: intron variant.
Genome position (GRCh38, 1-based): chr9:15,249,052, T>C on the plus strand (A>G on the coding strand, the complement: TTC39B is on the minus strand). VCF-style: chr9-15249052-T-C. GRCh37 (hg19) VCF-style: chr9-15249050-T-C.
Other names: c.77+18862A>G (NM_001168341.2, NM_001168339.2, NM_001168340.2); c.-125+866A>G (NM_001168342.2).
Identifiers: ClinVar variation 1244123 (VCV001244123.3), dbSNP rs72700653, ClinGen allele CA189415816.
Genomic context (GRCh38, chr9:15,249,052, plus strand): 5'-ATGTAATTTTAAGATAAAGGAACAAAATCAGTAGCCAAATTATATGAATCTGTTCAATAA[T>C]ATGACTTTTATTCAACAAAGACAAATCAGGAACATATGGGGGTTATGGTGAGAATCAAAA-3'